The following is an entry in ClinVar:

NM_024408.4(NOTCH2):c.7075C>G (p.Pro2359Ala)

Gene: NOTCH2 (notch receptor 2; minus strand). Cytogenetic location: 1p12.
Variant type: single nucleotide variant.
Coding change: c.7075C>G on transcript NM_024408.4 (MANE Select); coding-DNA position 7075, C replaced by G.
Protein change: p.Pro2359Ala; replaces proline 2359 with alanine.
Molecular consequence: missense variant.
Genome position (GRCh38, 1-based): chr1:119,915,647, G>C on the plus strand (C>G on the coding strand, the complement: NOTCH2 is on the minus strand). VCF-style: chr1-119915647-G-C. GRCh37 (hg19) VCF-style: chr1-120458270-G-C.
Other names: short protein forms P2359A.
Identifiers: ClinVar variation 134983 (VCV000134983.45), dbSNP rs75831573, ClinGen allele CA161293.

ClinVar aggregate classification (germline): Benign/Likely benign. Review status: criteria provided, multiple submitters, no conflicts (2 of 4 stars). 10 submissions from 10 submitters: Benign (3); Likely benign (2). 5 of the submissions do not count toward it. Last evaluated 2026-07-01.

Conditions:
Hajdu-Cheney syndrome (HJCYS). Also called: ACROOSTEOLYSIS WITH OSTEOPOROSIS AND CHANGES IN SKULL AND MANDIBLE; Acroosteolysis dominant type; SERPENTINE FIBULA-POLYCYSTIC KIDNEY SYNDROME. Identifiers: Orphanet 955, MedGen C0917715, MONDO:0007057, OMIM 102500.

Allele frequency attached by ClinVar (database versions not stated): 1000 Genomes Project 0.00140; 1000 Genomes Project 30x 0.00141; ESP Exome Variant Server 0.00269; ExAC 0.00453; gnomAD 0.00470 and 0.00493; TOPMed 0.00472.
gnomAD v4.1: 9,617 of 1,614,064 alleles (0.6%); highest among the groups gnomAD compares: Non-Finnish European, 0.69%; 42 homozygotes.

Submissions (10):

CeGaT Center for Human Genetics Tuebingen
Classification: Likely benign. Last evaluated: 2026-07-01. Review status: criteria provided, single submitter. Criteria: CeGaT Center For Human Genetics Tuebingen Variant Classification Criteria Version 2. Collection method: clinical testing. Allele origin: germline. Affected: yes. Observed: 9 variant alleles.
Comment: NOTCH2: BP4, BS2

Labcorp Genetics (formerly Invitae), Labcorp
Classification: Benign for Hajdu-Cheney syndrome. Last evaluated: 2026-02-02. Review status: criteria provided, single submitter. Criteria: Invitae Variant Classification Sherloc (09022015). Collection method: clinical testing. Allele origin: germline.

Blueprint Genetics
Classification: Likely benign. Last evaluated: 2024-11-25. Review status: criteria provided, single submitter. Criteria: ACMG Guidelines, 2015. Collection method: clinical testing. Allele origin: germline.

GeneDx
Classification: Benign. Last evaluated: 2020-08-24. Review status: criteria provided, single submitter. Criteria: GeneDx Variant Classification Process June 2021. Collection method: clinical testing. Allele origin: germline. Affected: yes.
Comment: This variant is associated with the following publications: (PMID: 30304577, 24728327, 18508802)

Eurofins Ntd Llc (ga)
Classification: Benign. Last evaluated: 2015-01-05. Review status: criteria provided, single submitter. Criteria: EGL Classification Definitions 2015. Collection method: clinical testing. Allele origin: germline. Observed: 1 variant allele, 1 heterozygote.

ITMI
No classification provided. Condition: AllHighlyPenetrant. Last evaluated: 2013-09-19. Review status: no classification provided. Collection method: reference population. Allele origin: germline. Not counted in ClinVar's aggregate classification.
Comment: Please see associated publication for description of ethnicities

Clinical Genetics DNA and cytogenetics Diagnostics Lab, Erasmus MC, Erasmus Medical Center
Classification: Benign. Review status: no assertion criteria provided. Collection method: clinical testing. Allele origin: germline. Affected: yes. Study: VKGL Data-share Consensus. Not counted in ClinVar's aggregate classification.

Diagnostic Laboratory, Department of Genetics, University Medical Center Groningen
Classification: Likely benign. Review status: no assertion criteria provided. Collection method: clinical testing. Allele origin: germline. Affected: yes. Study: VKGL Data-share Consensus. Not counted in ClinVar's aggregate classification.

Genome Diagnostics Laboratory, University Medical Center Utrecht
Classification: Benign. Review status: no assertion criteria provided. Collection method: clinical testing. Allele origin: germline. Affected: yes. Study: VKGL Data-share Consensus. Not counted in ClinVar's aggregate classification.

Laboratory of Diagnostic Genome Analysis, Leiden University Medical Center (LUMC)
Classification: Likely benign. Review status: no assertion criteria provided. Collection method: clinical testing. Allele origin: germline. Affected: yes. Study: VKGL Data-share Consensus. Not counted in ClinVar's aggregate classification.

Literature cited by the submitters: PubMed 24728327 (cited by ITMI).